The following is an entry in ClinVar:

ClinVar aggregate classification (germline): Uncertain significance (1 of 4 stars; one submission).

Conditions:
Inborn genetic diseases. Identifiers: MedGen C0950123, MeSH D030342.

Submission:

Ambry Genetics
Classification: Uncertain significance for Inborn genetic diseases. Last evaluated: 2023-09-14. Review status: criteria provided, single submitter. Criteria: Ambry Variant Classification Scheme 2023. Collection method: clinical testing. Allele origin: germline.
Comment: The p.S413C variant (also known as c.1238C>G), located in coding exon 9 of the EPAS1 gene, results from a C to G substitution at nucleotide position 1238. The serine at codon 413 is replaced by cysteine, an amino acid with dissimilar properties. This amino acid position is conserved. In addition, the in silico prediction for this alteration is inconclusive. Since supporting evidence is limited at this time, the clinical significance of this alteration remains unclear.

NM_001430.5(EPAS1):c.1238C>G (p.Ser413Cys)

Gene: EPAS1 (endothelial PAS domain protein 1; plus strand). Cytogenetic location: 2p21.
Variant type: single nucleotide variant.
Coding change: c.1238C>G on transcript NM_001430.5 (MANE Select); coding-DNA position 1238, C replaced by G.
Protein change: p.Ser413Cys; replaces serine 413 with cysteine.
Molecular consequence: missense variant.
Genome position (GRCh38, 1-based): chr2:46,376,742, C>G. VCF-style: chr2-46376742-C-G. GRCh37 (hg19) VCF-style: chr2-46603881-C-G.
Other names: short protein forms S413C.
Identifiers: ClinVar variation 2626671 (VCV002626671.2), dbSNP rs751652034, ClinGen allele CA346703475.